The following is an entry in ClinVar:

NM_017617.5(NOTCH1):c.6860G>T (p.Gly2287Val)

Gene: NOTCH1 (notch receptor 1; minus strand). Cytogenetic location: 9q34.3.
Variant type: single nucleotide variant.
Coding change: c.6860G>T on transcript NM_017617.5 (MANE Select); coding-DNA position 6860, G replaced by T.
Protein change: p.Gly2287Val; replaces glycine 2287 with valine.
Molecular consequence: missense variant.
Genome position (GRCh38, 1-based): chr9:136,496,879, C>A on the plus strand (G>T on the coding strand, the complement: NOTCH1 is on the minus strand). VCF-style: chr9-136496879-C-A. GRCh37 (hg19) VCF-style: chr9-139391331-C-A.
Other names: short protein forms G2287V.
Identifiers: ClinVar variation 4740920 (VCV004740920.1).

ClinVar aggregate classification (germline): Uncertain significance (1 of 4 stars; one submission).

Conditions:
Adams-Oliver syndrome 5 (AOS5). Identifiers: Orphanet 974, MedGen C4014970, MONDO:0014459, OMIM 616028.

gnomAD v4.1: 1 of 1,612,912 alleles (0.000062%); highest among the groups gnomAD compares: Non-Finnish European, 0.000085%; no homozygotes.

Submission:

Labcorp Genetics (formerly Invitae), Labcorp
Classification: Uncertain significance for Adams-Oliver syndrome 5. Last evaluated: 2025-03-05. Review status: criteria provided, single submitter. Criteria: Invitae Variant Classification Sherloc (09022015). Collection method: clinical testing. Allele origin: germline.
Comment: This sequence change replaces glycine, which is neutral and non-polar, with valine, which is neutral and non-polar, at codon 2287 of the NOTCH1 protein (p.Gly2287Val). This variant is not present in population databases (gnomAD no frequency). This variant has not been reported in the literature in individuals affected with NOTCH1-related conditions. Invitae Evidence Modeling of protein sequence and biophysical properties (such as structural, functional, and spatial information, amino acid conservation, physicochemical variation, residue mobility, and thermodynamic stability) indicates that this missense variant is not expected to disrupt NOTCH1 protein function with a negative predictive value of 80%. In summary, the available evidence is currently insufficient to determine the role of this variant in disease. Therefore, it has been classified as a Variant of Uncertain Significance.